The following is an entry in ClinVar:

ClinVar aggregate classification (germline): Uncertain significance. Review status: criteria provided, multiple submitters, no conflicts (2 of 4 stars). 2 submissions from 2 submitters: Uncertain significance (2). Last evaluated 2024-03-11.

Conditions:
LAMB2-related infantile-onset nephrotic syndrome. Also called: NEPHROTIC SYNDROME, TYPE 5, WITHOUT OCULAR ABNORMALITIES; NEPHROTIC SYNDROME, TYPE 5, WITH OCULAR ABNORMALITIES; Nephrotic Syndrome, type 5. Identifiers: Orphanet 306507, MedGen C3280113, MONDO:0013621, OMIM 614199.
Pierson syndrome. Also called: MICROCORIA-CONGENITAL NEPHROTIC SYNDROME. Identifiers: Orphanet 2670, MedGen C1836876, MONDO:0012184, OMIM 609049.

Allele frequency attached by ClinVar (database versions not stated): gnomAD exomes below 0.00001 and 0.00001; ExAC 0.00001.

Submissions (2):

Fulgent Genetics
Classification: Uncertain significance for Pierson syndrome; LAMB2-related infantile-onset nephrotic syndrome. Last evaluated: 2024-03-11. Review status: criteria provided, single submitter. Criteria: ACMG Guidelines, 2015. Collection method: clinical testing. Allele origin: germline.

Labcorp Genetics (formerly Invitae), Labcorp
Classification: Uncertain significance for LAMB2-related infantile-onset nephrotic syndrome; Pierson syndrome. Last evaluated: 2022-08-16. Review status: criteria provided, single submitter. Criteria: Invitae Variant Classification Sherloc (09022015). Collection method: clinical testing. Allele origin: germline.
Comment: This sequence change replaces histidine, which is basic and polar, with tyrosine, which is neutral and polar, at codon 882 of the LAMB2 protein (p.His882Tyr). In summary, the available evidence is currently insufficient to determine the role of this variant in disease. Therefore, it has been classified as a Variant of Uncertain Significance. Algorithms developed to predict the effect of sequence changes on RNA splicing suggest that this variant may create or strengthen a splice site. Algorithms developed to predict the effect of missense changes on protein structure and function (SIFT, PolyPhen-2, Align-GVGD) all suggest that this variant is likely to be disruptive. ClinVar contains an entry for this variant (Variation ID: 1417483). This variant has not been reported in the literature in individuals affected with LAMB2-related conditions. This variant is present in population databases (rs751697643, gnomAD 0.003%).

NM_002292.4(LAMB2):c.2644C>T (p.His882Tyr)

Gene: LAMB2 (laminin subunit beta 2; minus strand). Cytogenetic location: 3p21.31.
Variant type: single nucleotide variant.
Coding change: c.2644C>T on transcript NM_002292.4 (MANE Select); coding-DNA position 2644, C replaced by T.
Protein change: p.His882Tyr; replaces histidine 882 with tyrosine.
Molecular consequence: missense variant.
Genome position (GRCh38, 1-based): chr3:49,125,329, G>A on the plus strand (C>T on the coding strand, the complement: LAMB2 is on the minus strand). VCF-style: chr3-49125329-G-A. GRCh37 (hg19) VCF-style: chr3-49162762-G-A.
Other names: short protein forms H882Y.
Identifiers: ClinVar variation 1417483 (VCV001417483.10), dbSNP rs751697643, ClinGen allele CA2394260.